The following is an entry in ClinVar:

NM_052947.4(ALPK2):c.1679G>A (p.Gly560Asp)

Gene: ALPK2 (alpha kinase 2; minus strand). Cytogenetic location: 18q21.31.
Variant type: single nucleotide variant.
Coding change: c.1679G>A on transcript NM_052947.4 (MANE Select); coding-DNA position 1679, G replaced by A.
Protein change: p.Gly560Asp; replaces glycine 560 with aspartic acid.
Molecular consequence: missense variant.
Genome position (GRCh38, 1-based): chr18:58,579,097, C>T on the plus strand (G>A on the coding strand, the complement: ALPK2 is on the minus strand). VCF-style: chr18-58579097-C-T. GRCh37 (hg19) VCF-style: chr18-56246329-C-T.
Other names: short protein forms G560D.
Identifiers: ClinVar variation 1777853 (VCV001777853.2), dbSNP rs758759943, ClinGen allele CA8977203.

ClinVar aggregate classification (germline): Uncertain significance (1 of 4 stars; one submission).

gnomAD v4.1: 16 of 1,614,160 alleles (0.00099%); highest among the groups gnomAD compares: South Asian, 0.018%; no homozygotes.

Submission:

Ambry Genetics
Classification: Uncertain significance. Last evaluated: 2021-11-05. Review status: criteria provided, single submitter. Criteria: Ambry Variant Classification Scheme 2023. Collection method: clinical testing. Allele origin: germline.
Comment: The p.G560D variant (also known as c.1679G>A), located in coding exon 3 of the ALPK2 gene, results from a G to A substitution at nucleotide position 1679. The glycine at codon 560 is replaced by aspartic acid, an amino acid with similar properties. This amino acid position is conserved. In addition, this alteration is predicted to be tolerated by in silico analysis. Since supporting evidence is limited at this time, the clinical significance of this alteration remains unclear.